The following is an entry in ClinVar:

NM_021930.6(RINT1):c.2050G>A (p.Val684Ile)

Genes: EFCAB10 (EF-hand calcium binding domain 10; minus strand), RINT1 (RAD50 interactor 1; plus strand). Cytogenetic location: 7q22.3.
Variant type: single nucleotide variant.
Coding change: c.2050G>A on transcript NM_021930.6 (MANE Select); coding-DNA position 2050, G replaced by A.
Protein change: p.Val684Ile; replaces valine 684 with isoleucine.
Molecular consequence: missense variant. On other transcripts: non-coding transcript variant (1), 3 prime UTR variant (2).
Genome position (GRCh38, 1-based): chr7:105,565,440, G>A. VCF-style: chr7-105565440-G-A. GRCh37 (hg19) VCF-style: chr7-105205887-G-A.
Other names: c.*7C>T (NM_001355526.2); c.*109C>T (NM_001355530.2); c.367C>T, p.His123Tyr (NM_001355531.2); c.1816G>A, p.Val606Ile (NM_001346599.2); c.1027G>A, p.Val343Ile (NM_001346600.2, NM_001346603.2); c.1126G>A, p.Val376Ile (NM_001346601.2); short protein forms H123Y, V606I, V684I, V376I, V343I.
Identifiers: ClinVar variation 1407048 (VCV001407048.10), dbSNP rs768627748, ClinGen allele CA4426846.

ClinVar aggregate classification (germline): Conflicting classifications of pathogenicity. Review status: criteria provided, conflicting classifications (1 of 4 stars). 2 submissions from 2 submitters: Uncertain significance (1); Likely benign (1). Last evaluated 2021-05-04.

Allele frequency attached by ClinVar (database versions not stated): gnomAD 0.00001; TOPMed 0.00002.
gnomAD v4.1: 4 of 1,613,964 alleles (0.00025%); highest among the groups gnomAD compares: African/African-American, 0.0027%; no homozygotes.

Submissions (2):

Labcorp Genetics (formerly Invitae), Labcorp
Classification: Uncertain significance. Last evaluated: 2021-05-04. Review status: criteria provided, single submitter. Criteria: Invitae Variant Classification Sherloc (09022015). Collection method: clinical testing. Allele origin: germline.
Comment: This sequence change replaces valine with isoleucine at codon 684 of the RINT1 protein (p.Val684Ile). The valine residue is weakly conserved and there is a small physicochemical difference between valine and isoleucine. In summary, the available evidence is currently insufficient to determine the role of this variant in disease. Therefore, it has been classified as a Variant of Uncertain Significance. Algorithms developed to predict the effect of missense changes on protein structure and function output the following: SIFT: "Tolerated"; PolyPhen-2: "Benign"; Align-GVGD: "Class C0". The isoleucine amino acid residue is found in multiple mammalian species, suggesting that this missense change does not adversely affect protein function. These predictions have not been confirmed by published functional studies and their clinical significance is uncertain. This variant has not been reported in the literature in individuals with RINT1-related conditions. This variant is present in population databases (rs768627748, ExAC 0.01%).

Ambry Genetics
Classification: Likely benign. Last evaluated: 2021-01-11. Review status: criteria provided, single submitter. Criteria: Ambry Variant Classification Scheme 2023. Collection method: clinical testing. Allele origin: germline.